The following is an entry in ClinVar:

ClinVar aggregate classification (germline): Pathogenic (1 of 4 stars; one submission).

Conditions:
Bethlem myopathy 1A. Also called: Bethlem myopathy 1; Bethlem Muscular Dystrophy; MYOPATHY, BENIGN CONGENITAL, WITH CONTRACTURES. Identifiers: Orphanet 610, MedGen CN029274, MONDO:0024530, OMIM 158810.

Submission:

Labcorp Genetics (formerly Invitae), Labcorp
Classification: Pathogenic for Bethlem myopathy 1A. Last evaluated: 2021-09-28. Review status: criteria provided, single submitter. Criteria: Invitae Variant Classification Sherloc (09022015). Collection method: clinical testing. Allele origin: germline.
Comment: For these reasons, this variant has been classified as Pathogenic. Algorithms developed to predict the effect of sequence changes on RNA splicing suggest that this variant may disrupt the consensus splice site. This variant has been observed in individual(s) with autosomal dominant COL6A2-related conditions (Invitae). In at least one individual the variant was observed to be de novo. This variant is not present in population databases (ExAC no frequency). This variant results in the deletion of part of exon 8 (c.901-6_903del) of the COL6A2 gene. It is expected to disrupt RNA splicing. Variants that disrupt the donor or acceptor splice site typically lead to a loss of protein function (PMID: 16199547), and loss-of-function variants in COL6A2 are known to be pathogenic (PMID: 19884007, 20976770).

Literature cited by the submitters: PubMed 16199547; PubMed 19884007; PubMed 20976770.

NM_001849.4(COL6A2):c.901-6_903del

Gene: COL6A2 (collagen type VI alpha 2 chain; plus strand). Cytogenetic location: 21q22.3.
Variant type: Deletion.
Coding change: c.901-6_903del on transcript NM_001849.4 (MANE Select); 6 bases into the intron before coding-DNA position 901 through coding-DNA position 903, 9 bases deleted (CCCCAGGGC; older notation c.901-6_903delCCCCAGGGC).
Molecular consequence: splice acceptor variant.
Genome position (GRCh38, 1-based): chr21:46,116,371-46,116,379, CCCCAGGGC deleted; deleting any 9 consecutive bases within chr21:46,116,369-46,116,379 gives the same sequence; the c. name uses the placement nearest the transcript's 3' end. VCF-style (leftmost placement, unchanged base first): chr21-46116368-TGCCCCCAGG-T. GRCh37 (hg19) VCF-style: chr21-47536282-TGCCCCCAGG-T.
Other names: c.901-6_903del (NM_058175.3, NM_058174.3).
Identifiers: ClinVar variation 1458181 (VCV001458181.6), dbSNP rs2123627113, ClinGen allele CA2573157647.